The following is an entry in ClinVar:

ClinVar aggregate classification (germline): Uncertain significance. Review status: criteria provided, multiple submitters, no conflicts (2 of 4 stars). 2 submissions from 2 submitters: Uncertain significance (2). Last evaluated 2022-07-12.

Conditions:
X-linked lymphoproliferative disease due to XIAP deficiency. Also called: XIAP-Related Lymphoproliferative Disease, X-Linked; XIAP DEFICIENCY. Identifiers: Orphanet 2442, Orphanet 538934, MedGen C1845076, MONDO:0010385, OMIM 300635.

gnomAD v4.1: 1 of 1,210,479 alleles (0.000083%); highest among the groups gnomAD compares: Admixed American, 0.0022%; no homozygotes.

Submissions (2):

Labcorp Genetics (formerly Invitae), Labcorp
Classification: Uncertain significance for X-linked lymphoproliferative disease due to XIAP deficiency. Last evaluated: 2022-07-12. Review status: criteria provided, single submitter. Criteria: Invitae Variant Classification Sherloc (09022015). Collection method: clinical testing. Allele origin: germline.
Comment: In summary, the available evidence is currently insufficient to determine the role of this variant in disease. Therefore, it has been classified as a Variant of Uncertain Significance. Algorithms developed to predict the effect of missense changes on protein structure and function are either unavailable or do not agree on the potential impact of this missense change (SIFT: "Not Available"; PolyPhen-2: "Benign"; Align-GVGD: "Not Available"). ClinVar contains an entry for this variant (Variation ID: 1038999). This variant has not been reported in the literature in individuals affected with XIAP-related conditions. This variant is not present in population databases (gnomAD no frequency). This sequence change replaces asparagine, which is neutral and polar, with serine, which is neutral and polar, at codon 107 of the XIAP protein (p.Asn107Ser).

Breakthrough Genomics
Classification: Uncertain significance. Review status: criteria provided, single submitter. Criteria: ACMG Guidelines, 2015. Collection method: not provided. Allele origin: germline. Inheritance: X-linked recessive inheritance. Affected: yes.

NM_001167.4(XIAP):c.320A>G (p.Asn107Ser)

Gene: XIAP (X-linked inhibitor of apoptosis; plus strand). Cytogenetic location: Xq25.
Variant type: single nucleotide variant.
Coding change: c.320A>G on transcript NM_001167.4 (MANE Select); coding-DNA position 320, A replaced by G.
Protein change: p.Asn107Ser; replaces asparagine 107 with serine.
Molecular consequence: missense variant.
Genome position (GRCh38, 1-based): chrX:123,885,982, A>G. VCF-style: chrX-123885982-A-G. GRCh37 (hg19) VCF-style: chrX-123019832-A-G.
Other names: c.320A>G, p.Asn107Ser (NM_001204401.2, NM_001378590.1, NM_001378591.1 and 1 more transcripts); short protein forms N107S.
Identifiers: ClinVar variation 1038999 (VCV001038999.9), dbSNP rs28382721, ClinGen allele CA335076264.